The following is an entry in ClinVar:

NM_000465.4(BARD1):c.644A>T (p.Asn215Ile)

Gene: BARD1 (BRCA1 associated RING domain 1; minus strand). Cytogenetic location: 2q35.
Variant type: single nucleotide variant.
Coding change: c.644A>T on transcript NM_000465.4 (MANE Select); coding-DNA position 644, A replaced by T.
Protein change: p.Asn215Ile; replaces asparagine 215 with isoleucine.
Molecular consequence: missense variant. On other transcripts: non-coding transcript variant (2), intron variant (3).
Genome position (GRCh38, 1-based): chr2:214,781,230, T>A on the plus strand (A>T on the coding strand, the complement: BARD1 is on the minus strand). VCF-style: chr2-214781230-T-A. GRCh37 (hg19) VCF-style: chr2-215645954-T-A.
Other names: c.587A>T, p.Asn196Ile (NM_001282543.2); c.158+28182A>T (NM_001282548.2); c.215+15831A>T (NM_001282545.2); c.364+11067A>T (NM_001282549.2); c.644A>T (NM_000465.3); short protein forms N196I, N215I.
Identifiers: ClinVar variation 1753588 (VCV001753588.3), dbSNP rs774929973, ClinGen allele CA350456612.

ClinVar aggregate classification (germline): Uncertain significance. Review status: criteria provided, multiple submitters, no conflicts (2 of 4 stars). 2 submissions from 2 submitters: Uncertain significance (2). Last evaluated 2025-06-12.

Conditions:
Hereditary cancer-predisposing syndrome. Also called: Neoplastic Syndromes, Hereditary; Tumor predisposition; Hereditary Cancer Syndrome; Hereditary neoplastic syndrome. Identifiers: Orphanet 140162, MedGen C0027672, MeSH D009386, MONDO:0015356.

Submissions (2):

Quest Diagnostics Nichols Institute San Juan Capistrano
Classification: Uncertain significance. Last evaluated: 2025-06-12. Review status: criteria provided, single submitter. Criteria: Quest Diagnostics criteria. Collection method: clinical testing. Allele origin: unknown.
Comment: The BARD1 c.644A>T (p.Asn215Ile) variant has not been reported in individuals with BARD1-related conditions in the published literature. It also has not been reported in large, multi-ethnic general populations (Genome Aggregation Database). Analysis of this variant using bioinformatics tools for the prediction of the effect of amino acid changes on protein structure and function yielded predictions that this variant is benign. Based on the available information, we are unable to determine the clinical significance of this variant.

Ambry Genetics
Classification: Uncertain significance for Hereditary cancer-predisposing syndrome. Last evaluated: 2022-05-18. Review status: criteria provided, single submitter. Criteria: Ambry Variant Classification Scheme 2023. Collection method: clinical testing. Allele origin: germline.
Comment: The p.N215I variant (also known as c.644A>T), located in coding exon 4 of the BARD1 gene, results from an A to T substitution at nucleotide position 644. The asparagine at codon 215 is replaced by isoleucine, an amino acid with dissimilar properties. This amino acid position is conserved. In addition, this alteration is predicted to be deleterious by in silico analysis. Since supporting evidence is limited at this time, the clinical significance of this alteration remains unclear.